The following is an entry in ClinVar:

NM_001130823.3(DNMT1):c.4402G>A (p.Ala1468Thr)

Gene: DNMT1 (DNA methyltransferase 1; minus strand). Cytogenetic location: 19p13.2.
Variant type: single nucleotide variant.
Coding change: c.4402G>A on transcript NM_001130823.3 (MANE Select); coding-DNA position 4402, G replaced by A.
Protein change: p.Ala1468Thr; replaces alanine 1468 with threonine.
Molecular consequence: missense variant.
Genome position (GRCh38, 1-based): chr19:10,137,172, C>T on the plus strand (G>A on the coding strand, the complement: DNMT1 is on the minus strand). VCF-style: chr19-10137172-C-T. GRCh37 (hg19) VCF-style: chr19-10247848-C-T.
Other names: c.4354G>A, p.Ala1452Thr (NM_001318730.2, NM_001379.4); c.4039G>A, p.Ala1347Thr (NM_001318731.2); short protein forms A1347T, A1452T, A1468T.
Identifiers: ClinVar variation 3648413 (VCV003648413.2).

ClinVar aggregate classification (germline): Uncertain significance (1 of 4 stars; one submission).

Conditions:
Hereditary sensory neuropathy-deafness-dementia syndrome. Also called: Hereditary sensory neuropathy type IE; NEUROPATHY, HEREDITARY SENSORY, WITH HEARING LOSS AND DEMENTIA; Hereditary Sensory and Autonomic Neuropathy Type 1E (HSAN1E); HSN IE. Identifiers: Orphanet 456318, MedGen C3279885, MONDO:0013584, OMIM 614116.

Submission:

Labcorp Genetics (formerly Invitae), Labcorp
Classification: Uncertain significance for Hereditary sensory neuropathy-deafness-dementia syndrome. Last evaluated: 2024-04-02. Review status: criteria provided, single submitter. Criteria: Invitae Variant Classification Sherloc (09022015). Collection method: clinical testing. Allele origin: germline.
Comment: This sequence change replaces alanine, which is neutral and non-polar, with threonine, which is neutral and polar, at codon 1468 of the DNMT1 protein (p.Ala1468Thr). This variant is not present in population databases (gnomAD no frequency). This variant has not been reported in the literature in individuals affected with DNMT1-related conditions. Advanced modeling of protein sequence and biophysical properties (such as structural, functional, and spatial information, amino acid conservation, physicochemical variation, residue mobility, and thermodynamic stability) performed at Invitae indicates that this missense variant is not expected to disrupt DNMT1 protein function with a negative predictive value of 80%. In summary, the available evidence is currently insufficient to determine the role of this variant in disease. Therefore, it has been classified as a Variant of Uncertain Significance.